The following is an entry in ClinVar:

NM_024928.5(STN1):c.712C>G (p.Leu238Val)

Gene: STN1 (STN1 subunit of CST complex; minus strand). Cytogenetic location: 10q24.33.
Variant type: single nucleotide variant.
Coding change: c.712C>G on transcript NM_024928.5 (MANE Select); coding-DNA position 712, C replaced by G.
Protein change: p.Leu238Val; replaces leucine 238 with valine.
Molecular consequence: missense variant.
Genome position (GRCh38, 1-based): chr10:103,897,589, G>C on the plus strand (C>G on the coding strand, the complement: STN1 is on the minus strand). VCF-style: chr10-103897589-G-C. GRCh37 (hg19) VCF-style: chr10-105657347-G-C.
Other names: short protein forms L238V.
Identifiers: ClinVar variation 1905301 (VCV001905301.5), dbSNP rs781174874, ClinGen allele CA5676537.

ClinVar aggregate classification (germline): Uncertain significance (1 of 4 stars; one submission).

Allele frequency attached by ClinVar (database versions not stated): ExAC 0.00002.
gnomAD v4.1: 3 of 1,614,132 alleles (0.00019%); highest among the groups gnomAD compares: Non-Finnish European, 0.00025%; no homozygotes.

Submission:

Labcorp Genetics (formerly Invitae), Labcorp
Classification: Uncertain significance. Last evaluated: 2022-06-12. Review status: criteria provided, single submitter. Criteria: Invitae Variant Classification Sherloc (09022015). Collection method: clinical testing. Allele origin: germline.
Comment: In summary, the available evidence is currently insufficient to determine the role of this variant in disease. Therefore, it has been classified as a Variant of Uncertain Significance. This sequence change replaces leucine, which is neutral and non-polar, with valine, which is neutral and non-polar, at codon 238 of the STN1 protein (p.Leu238Val). This variant is present in population databases (rs781174874, gnomAD 0.002%). This variant has not been reported in the literature in individuals affected with STN1-related conditions. Algorithms developed to predict the effect of missense changes on protein structure and function (SIFT, PolyPhen-2, Align-GVGD) all suggest that this variant is likely to be tolerated.